The following is an entry in ClinVar:

NM_001378969.1(KCND3):c.1441C>A (p.His481Asn)

Gene: KCND3 (potassium voltage-gated channel subfamily D member 3; minus strand). Cytogenetic location: 1p13.2.
Variant type: single nucleotide variant.
Coding change: c.1441C>A on transcript NM_001378969.1 (MANE Select); coding-DNA position 1441, C replaced by A.
Protein change: p.His481Asn; replaces histidine 481 with asparagine.
Molecular consequence: missense variant.
Genome position (GRCh38, 1-based): chr1:111,780,245, G>T on the plus strand (C>A on the coding strand, the complement: KCND3 is on the minus strand). VCF-style: chr1-111780245-G-T. GRCh37 (hg19) VCF-style: chr1-112322867-G-T.
Other names: c.1441C>A, p.His481Asn (NM_001378970.1, NM_004980.5, NM_172198.3); short protein forms H481N.
Identifiers: ClinVar variation 2778890 (VCV002778890.3), dbSNP rs774941907, ClinGen allele CA341658583.

ClinVar aggregate classification (germline): Uncertain significance (1 of 4 stars; one submission).

Conditions:
Spinocerebellar ataxia type 19/22 (SCA19). Also called: SPINOCEREBELLAR ATAXIA 19; SPINOCEREBELLAR ATAXIA 22. Identifiers: Orphanet 98772, MedGen C1846367, MONDO:0011819, OMIM 607346.

Submission:

Labcorp Genetics (formerly Invitae), Labcorp
Classification: Uncertain significance for Spinocerebellar ataxia type 19/22. Last evaluated: 2024-04-29. Review status: criteria provided, single submitter. Criteria: Invitae Variant Classification Sherloc (09022015). Collection method: clinical testing. Allele origin: germline.
Comment: This sequence change replaces histidine, which is basic and polar, with asparagine, which is neutral and polar, at codon 481 of the KCND3 protein (p.His481Asn). This variant is not present in population databases (gnomAD no frequency). This variant has not been reported in the literature in individuals affected with KCND3-related conditions. Advanced modeling of protein sequence and biophysical properties (such as structural, functional, and spatial information, amino acid conservation, physicochemical variation, residue mobility, and thermodynamic stability) performed at Invitae indicates that this missense variant is not expected to disrupt KCND3 protein function with a negative predictive value of 80%. In summary, the available evidence is currently insufficient to determine the role of this variant in disease. Therefore, it has been classified as a Variant of Uncertain Significance.